The following is an entry in ClinVar:

ClinVar aggregate classification (germline): Conflicting classifications of pathogenicity. Review status: criteria provided, conflicting classifications (1 of 4 stars). 5 submissions from 5 submitters: Uncertain significance (1); Benign (1); Likely benign (3). Last evaluated 2026-01-31.

Conditions:
Inborn genetic diseases. Identifiers: MedGen C0950123, MeSH D030342.
Developmental and epileptic encephalopathy, 14 (DEE14). Also called: Early infantile epileptic encephalopathy 14. Identifiers: Orphanet 293181, MedGen C3554195, MONDO:0013989, OMIM 614959.
Autosomal dominant nocturnal frontal lobe epilepsy 5. Also called: CILIARY DYSKINESIA, PRIMARY, 28, WITH SITUS INVERSUS; Epilepsy, nocturnal frontal lobe, 5; CILIARY DYSKINESIA, PRIMARY, 28, WITHOUT SITUS INVERSUS; KCNT1-Related Epilepsy. Identifiers: Orphanet 98784, MedGen C3554306, MONDO:0014002, OMIM 615005.

Allele frequency attached by ClinVar (database versions not stated): gnomAD 0.00003; gnomAD exomes 0.00008 and 0.00018; TOPMed 0.00011; ExAC 0.00015; ESP Exome Variant Server 0.00023.
gnomAD v4.1: 149 of 1,613,814 alleles (0.0092%); highest among the groups gnomAD compares: Middle Eastern, 0.099%; no homozygotes.

Submissions (5):

Labcorp Genetics (formerly Invitae), Labcorp
Classification: Benign for Autosomal dominant nocturnal frontal lobe epilepsy 5; Developmental and epileptic encephalopathy, 14. Last evaluated: 2026-01-31. Review status: criteria provided, single submitter. Criteria: Invitae Variant Classification Sherloc (09022015). Collection method: clinical testing. Allele origin: germline.

CeGaT Center for Human Genetics Tuebingen
Classification: Likely benign. Last evaluated: 2025-06-01. Review status: criteria provided, single submitter. Criteria: CeGaT Center For Human Genetics Tuebingen Variant Classification Criteria Version 2. Collection method: clinical testing. Allele origin: germline. Affected: yes. Observed: 1 variant allele.
Comment: KCNT1: BP4, BP7

GeneDx
Classification: Likely benign. Last evaluated: 2020-03-31. Review status: criteria provided, single submitter. Criteria: GeneDx Variant Classification Process June 2021. Collection method: clinical testing. Allele origin: germline. Affected: yes.

Ambry Genetics
Classification: Likely benign for Inborn genetic diseases. Last evaluated: 2017-07-27. Review status: criteria provided, single submitter. Criteria: Ambry Variant Classification Scheme 2023. Collection method: clinical testing. Allele origin: germline.

Eurofins Ntd Llc (ga)
Classification: Uncertain significance. Last evaluated: 2015-05-21. Review status: criteria provided, single submitter. Criteria: EGL Classification Definitions 2015. Collection method: clinical testing. Allele origin: germline. Observed: 1 variant allele, 1 heterozygote.

NM_020822.3(KCNT1):c.3537C>T (p.Tyr1179=)

Gene: KCNT1 (potassium sodium-activated channel subfamily T member 1; plus strand). Cytogenetic location: 9q34.3.
Variant type: single nucleotide variant.
Coding change: c.3537C>T on transcript NM_020822.3 (MANE Select); coding-DNA position 3537, C replaced by T.
Protein change: p.Tyr1179=; no amino-acid change (tyrosine 1179 retained).
Molecular consequence: synonymous variant.
Genome position (GRCh38, 1-based): chr9:135,791,831, C>T. VCF-style: chr9-135791831-C-T. GRCh37 (hg19) VCF-style: chr9-138683677-C-T.
Other names: c.3465C>T, p.Tyr1155= (NM_001272003.2).
Identifiers: ClinVar variation 196632 (VCV000196632.28), dbSNP rs149927148, ClinGen allele CA243652.